The following is an entry in ClinVar:

ClinVar aggregate classification (germline): Conflicting classifications of pathogenicity. Review status: criteria provided, conflicting classifications (1 of 4 stars). 5 submissions from 5 submitters: Likely pathogenic (1); Uncertain significance (4). Last evaluated 2024-09-10.

Conditions:
Familial cancer of breast. Also called: BREAST CANCER, FAMILIAL; Hereditary breast cancer; hereditary breast carcinoma. Identifiers: Orphanet 227535, MedGen C0346153, MONDO:0016419, OMIM 114480. Disease mechanism: loss of function.
Hereditary cancer-predisposing syndrome. Also called: Hereditary neoplastic syndrome; Neoplastic Syndromes, Hereditary; Tumor predisposition; Hereditary Cancer Syndrome. Identifiers: Orphanet 140162, MedGen C0027672, MeSH D009386, MONDO:0015356.
Fanconi anemia complementation group J. Also called: BRIP1-Related Fanconi Anemia. Identifiers: Orphanet 84, MedGen C1836860, MONDO:0012187, OMIM 609054.

Allele frequency attached by ClinVar (database versions not stated): gnomAD 0.00001.
gnomAD v4.1: 1 of 1,603,334 alleles (0.000062%); no homozygotes.

Submissions (5):

Ambry Genetics
Classification: Likely pathogenic for Hereditary cancer-predisposing syndrome. Last evaluated: 2024-09-10. Review status: criteria provided, single submitter. Criteria: Ambry Variant Classification Scheme 2023. Collection method: clinical testing. Allele origin: germline.
Comment: The c.2905+3A>G intronic variant results from an A to G substitution 3 nucleotides after coding exon 18 in the BRIP1 gene. This variant is considered to be rare based on population cohorts in the Genome Aggregation Database (gnomAD). This nucleotide position is highly conserved in available vertebrate species. In silico splice site analysis predicts that this alteration will weaken the native splice donor site. RNA studies have demonstrated that this alteration results in abnormal splicing in the set of samples tested (Ambry internal data). Based on the majority of available evidence to date, this variant is likely to be pathogenic.

Color Diagnostics, LLC DBA Color Health
Classification: Uncertain significance for Hereditary cancer-predisposing syndrome. Last evaluated: 2023-11-08. Review status: criteria provided, single submitter. Criteria: ACMG Guidelines, 2015. Collection method: clinical testing. Allele origin: germline.
Comment: This variant causes an A to G nucleotide substitution at the +3 position of intron 19 of the BRIP1 gene. Splice site prediction tools suggest that this variant may impact RNA splicing, although this prediction has not been confirmed in published RNA studies. To our knowledge, this variant has not been reported in individuals affected with hereditary cancer in the literature. This variant has not been identified in the general population by the Genome Aggregation Database (gnomAD). The available evidence is insufficient to determine the role of this variant in disease conclusively. Therefore, this variant is classified as a Variant of Uncertain Significance.

Labcorp Genetics (formerly Invitae), Labcorp
Classification: Uncertain significance for Familial cancer of breast; Fanconi anemia complementation group J. Last evaluated: 2023-09-13. Review status: criteria provided, single submitter. Criteria: Invitae Variant Classification Sherloc (09022015). Collection method: clinical testing. Allele origin: germline.
Comment: This variant is not present in population databases (gnomAD no frequency). This sequence change falls in intron 19 of the BRIP1 gene. It does not directly change the encoded amino acid sequence of the BRIP1 protein. It affects a nucleotide within the consensus splice site. This variant has not been reported in the literature in individuals affected with BRIP1-related conditions. In summary, the available evidence is currently insufficient to determine the role of this variant in disease. Therefore, it has been classified as a Variant of Uncertain Significance. Variants that disrupt the consensus splice site are a relatively common cause of aberrant splicing (PMID: 17576681, 9536098). Algorithms developed to predict the effect of sequence changes on RNA splicing suggest that this variant may disrupt the consensus splice site. ClinVar contains an entry for this variant (Variation ID: 481619).

Quest Diagnostics Nichols Institute San Juan Capistrano
Classification: Uncertain significance. Last evaluated: 2023-06-29. Review status: criteria provided, single submitter. Criteria: Quest Diagnostics criteria. Collection method: clinical testing. Allele origin: unknown.
Comment: This variant has not been reported in the published literature. It also has not been reported in large, multi-ethnic general populations (Genome Aggregation Database). Analysis of this variant using software algorithms for the prediction of the effect of nucleotide changes on splicing yielded predictions that this variant may affect proper BRIP1 mRNA splicing . Based on the available information, we are unable to determine the clinical significance of this variant.

Baylor Genetics
Classification: Uncertain significance for Familial cancer of breast. Last evaluated: 2022-07-24. Review status: criteria provided, single submitter. Criteria: ACMG Guidelines, 2015. Collection method: clinical testing. Allele origin: unknown.

Literature cited by the submitters: PubMed 17576681 (cited by Labcorp Genetics (formerly Invitae), Labcorp); PubMed 9536098 (cited by Labcorp Genetics (formerly Invitae), Labcorp).

NM_032043.3(BRIP1):c.2905+3A>G

Gene: BRIP1 (BRCA1 interacting DNA helicase 1; minus strand). Cytogenetic location: 17q23.2.
Variant type: single nucleotide variant.
Coding change: c.2905+3A>G on transcript NM_032043.3 (MANE Select); 3 bases into the intron after coding-DNA position 2905, A replaced by G.
Molecular consequence: intron variant.
Genome position (GRCh38, 1-based): chr17:61,685,833, T>C on the plus strand (A>G on the coding strand, the complement: BRIP1 is on the minus strand). VCF-style: chr17-61685833-T-C. GRCh37 (hg19) VCF-style: chr17-59763194-T-C.
Identifiers: ClinVar variation 481619 (VCV000481619.21), dbSNP rs1555573247, ClinGen allele CA400481078.